The following is an entry in ClinVar:

ClinVar aggregate classification (germline): Conflicting classifications of pathogenicity. Review status: criteria provided, conflicting classifications (1 of 4 stars). 3 submissions from 3 submitters: Uncertain significance (2); Likely benign (1). Last evaluated 2026-05-15.

Conditions:
Hereditary cancer-predisposing syndrome. Also called: Neoplastic Syndromes, Hereditary; Hereditary neoplastic syndrome; Hereditary Cancer Syndrome; Tumor predisposition. Identifiers: Orphanet 140162, MedGen C0027672, MeSH D009386, MONDO:0015356.
Hereditary diffuse gastric adenocarcinoma (HDGC). Also called: DIFFUSE GASTRIC AND LOBULAR BREAST CANCER SYNDROME. Identifiers: Orphanet 26106, MedGen C1708349, MONDO:0007648, OMIM 137215.

Submissions (3):

Ambry Genetics
Classification: Likely benign for Hereditary cancer-predisposing syndrome. Last evaluated: 2026-05-15. Review status: criteria provided, single submitter. Criteria: Ambry Variant Classification Scheme 2023. Collection method: clinical testing. Allele origin: germline.

Labcorp Genetics (formerly Invitae), Labcorp
Classification: Uncertain significance for Hereditary diffuse gastric adenocarcinoma. Last evaluated: 2024-11-28. Review status: criteria provided, single submitter. Criteria: Invitae Variant Classification Sherloc (09022015). Collection method: clinical testing. Allele origin: germline.
Comment: This sequence change replaces histidine, which is basic and polar, with glutamine, which is neutral and polar, at codon 453 of the CDH1 protein (p.His453Gln). This variant is not present in population databases (gnomAD no frequency). This variant has not been reported in the literature in individuals affected with CDH1-related conditions. ClinVar contains an entry for this variant (Variation ID: 819001). An algorithm developed to predict the effect of missense changes on protein structure and function (PolyPhen-2) suggests that this variant is likely to be tolerated. In summary, the available evidence is currently insufficient to determine the role of this variant in disease. Therefore, it has been classified as a Variant of Uncertain Significance.

GeneDx
Classification: Uncertain significance. Last evaluated: 2023-10-16. Review status: criteria provided, single submitter. Criteria: GeneDx Variant Classification Process June 2021. Collection method: clinical testing. Allele origin: germline. Affected: yes.
Comment: Not observed at significant frequency in large population cohorts (gnomAD); In silico analysis supports that this missense variant does not alter protein structure/function; Has not been previously published as pathogenic or benign to our knowledge; This variant is associated with the following publications: (PMID: 15235021, 22850631)

NM_004360.5(CDH1):c.1359C>A (p.His453Gln)

Gene: CDH1 (cadherin 1; plus strand). Cytogenetic location: 16q22.1.
Variant type: single nucleotide variant.
Coding change: c.1359C>A on transcript NM_004360.5 (MANE Select); coding-DNA position 1359, C replaced by A.
Protein change: p.His453Gln; replaces histidine 453 with glutamine.
Molecular consequence: missense variant. On other transcripts: 5 prime UTR variant (2).
Genome position (GRCh38, 1-based): chr16:68,815,553, C>A. VCF-style: chr16-68815553-C-A. GRCh37 (hg19) VCF-style: chr16-68849456-C-A.
Other names: c.1176C>A, p.His392Gln (NM_001317184.2); c.-190C>A (NM_001317185.2); c.-461C>A (NM_001317186.2); short protein forms H392Q, H453Q.
Identifiers: ClinVar variation 819001 (VCV000819001.11), dbSNP rs114861467, ClinGen allele CA396462775.